The following is an entry in ClinVar:

ClinVar aggregate classification (germline): Uncertain significance (1 of 4 stars; one submission).

Conditions:
Diamond-Blackfan anemia 5 (DBA5). Also called: RPL35A-Related Diamond-Blackfan Anemia. Identifiers: Orphanet 124, MedGen C2675859, MONDO:0012925, OMIM 612528.

gnomAD v4.1: 2 of 1,614,178 alleles (0.00012%); highest among the groups gnomAD compares: Non-Finnish European, 0.00017%; no homozygotes.

Submission:

Labcorp Genetics (formerly Invitae), Labcorp
Classification: Uncertain significance for Diamond-Blackfan anemia 5. Last evaluated: 2024-08-29. Review status: criteria provided, single submitter. Criteria: Invitae Variant Classification Sherloc (09022015). Collection method: clinical testing. Allele origin: germline.
Comment: This sequence change replaces arginine, which is basic and polar, with glutamine, which is neutral and polar, at codon 36 of the RPL35A protein (p.Arg36Gln). This variant is not present in population databases (gnomAD no frequency). This variant has not been reported in the literature in individuals affected with RPL35A-related conditions. An algorithm developed to predict the effect of missense changes on protein structure and function (PolyPhen-2) suggests that this variant is likely to be tolerated. In summary, the available evidence is currently insufficient to determine the role of this variant in disease. Therefore, it has been classified as a Variant of Uncertain Significance.

NM_000996.4(RPL35A):c.107G>A (p.Arg36Gln)

Genes: DRC9 (dynein regulatory complex subunit 9; minus strand), RPL35A (ribosomal protein L35a; plus strand). Cytogenetic location: 3q29.
Variant type: single nucleotide variant.
Coding change: c.107G>A on transcript NM_000996.4 (MANE Select); coding-DNA position 107, G replaced by A.
Protein change: p.Arg36Gln; replaces arginine 36 with glutamine.
Molecular consequence: missense variant. On other transcripts: intron variant (3).
Genome position (GRCh38, 1-based): chr3:197,951,254, G>A. VCF-style: chr3-197951254-G-A. GRCh37 (hg19) VCF-style: chr3-197678125-G-A.
Other names: c.107G>A, p.Arg36Gln (NM_001316311.2); c.-49-7203C>T (NM_001323028.2); c.-59-5568C>T (NM_032263.5); c.-374-5568C>T (NM_001323029.2); short protein forms R36Q.
Identifiers: ClinVar variation 3721030 (VCV003721030.2).